The following is an entry in ClinVar:

NM_000632.4(ITGAM):c.1432G>A (p.Gly478Arg)

Gene: ITGAM (integrin subunit alpha M; plus strand). Cytogenetic location: 16p11.2.
Variant type: single nucleotide variant.
Coding change: c.1432G>A on transcript NM_000632.4 (MANE Select); coding-DNA position 1432, G replaced by A.
Protein change: p.Gly478Arg; replaces glycine 478 with arginine.
Molecular consequence: missense variant.
Genome position (GRCh38, 1-based): chr16:31,297,589, G>A. VCF-style: chr16-31297589-G-A. GRCh37 (hg19) VCF-style: chr16-31308910-G-A.
Other names: c.1432G>A, p.Gly478Arg (NM_001145808.2); short protein forms G478R.
Identifiers: ClinVar variation 2096704 (VCV002096704.4), dbSNP rs2144380164, ClinGen allele CA395669415.

ClinVar aggregate classification (germline): Uncertain significance (1 of 4 stars; one submission).

Allele frequency attached by ClinVar (database versions not stated): gnomAD exomes below 0.00001; gnomAD 0.00001; 1000 Genomes Project 30x 0.00016.
gnomAD v4.1: 3 of 1,612,648 alleles (0.00019%); highest among the groups gnomAD compares: East Asian, 0.0022%; no homozygotes.

Submission:

Labcorp Genetics (formerly Invitae), Labcorp
Classification: Uncertain significance. Last evaluated: 2022-02-11. Review status: criteria provided, single submitter. Criteria: Invitae Variant Classification Sherloc (09022015). Collection method: clinical testing. Allele origin: germline.
Comment: This variant is not present in population databases (gnomAD no frequency). This sequence change replaces glycine, which is neutral and non-polar, with arginine, which is basic and polar, at codon 478 of the ITGAM protein (p.Gly478Arg). In summary, the available evidence is currently insufficient to determine the role of this variant in disease. Therefore, it has been classified as a Variant of Uncertain Significance. Algorithms developed to predict the effect of sequence changes on RNA splicing suggest that this variant may create or strengthen a splice site. Algorithms developed to predict the effect of missense changes on protein structure and function (SIFT, PolyPhen-2, Align-GVGD) all suggest that this variant is likely to be disruptive. This variant has not been reported in the literature in individuals affected with ITGAM-related conditions.